The following is an entry in ClinVar:

NM_024298.5(MBOAT7):c.654C>G (p.Arg218=)

Gene: MBOAT7 (membrane bound acylglycerophosphatidylinositol O-acyltransferase MBOAT7; minus strand). Cytogenetic location: 19q13.42.
Variant type: single nucleotide variant.
Coding change: c.654C>G on transcript NM_024298.5 (MANE Select); coding-DNA position 654, C replaced by G.
Protein change: p.Arg218=; no amino-acid change (arginine 218 retained).
Molecular consequence: synonymous variant.
Genome position (GRCh38, 1-based): chr19:54,180,973, G>C on the plus strand (C>G on the coding strand, the complement: MBOAT7 is on the minus strand). VCF-style: chr19-54180973-G-C. GRCh37 (hg19) VCF-style: chr19-54684690-G-C.
Other names: c.654C>G (NM_024298.4); c.435C>G, p.Arg145= (NM_001146056.3, NM_001146083.3); c.654C>G, p.Arg218= (NM_001146082.3).
Identifiers: ClinVar variation 3026032 (VCV003026032.24), dbSNP rs755683540, ClinGen allele CA883573595.

ClinVar aggregate classification (germline): Likely benign. Review status: criteria provided, multiple submitters, no conflicts (2 of 4 stars). 3 submissions from 3 submitters: Likely benign (2). 1 of the submissions does not count toward it. Last evaluated 2024-08-01.

Conditions:
MBOAT7-related disorder. Also called: MBOAT7-related condition.

Submissions (3):

CeGaT Center for Human Genetics Tuebingen
Classification: Likely benign. Last evaluated: 2024-08-01. Review status: criteria provided, single submitter. Criteria: CeGaT Center For Human Genetics Tuebingen Variant Classification Criteria Version 2. Collection method: clinical testing. Allele origin: germline. Affected: yes. Observed: 3 variant alleles.
Comment: MBOAT7: BP4, BP7

Blueprint Genetics
Classification: Likely benign. Last evaluated: 2023-08-10. Review status: criteria provided, single submitter. Criteria: ACMG Guidelines, 2015. Collection method: clinical testing. Allele origin: germline.

PreventionGenetics, part of Exact Sciences
Classification: Likely benign for MBOAT7-related condition. Last evaluated: 2019-03-05. Review status: no assertion criteria provided. Collection method: clinical testing. Allele origin: germline. Not counted in ClinVar's aggregate classification.
Comment: This variant is classified as likely benign based on ACMG/AMP sequence variant interpretation guidelines (Richards et al. 2015 PMID: 25741868, with internal and published modifications).